The following is an entry in ClinVar:

ClinVar aggregate classification (germline): Uncertain significance (1 of 4 stars; one submission).

Conditions:
Cystic fibrosis (CF). Also called: MUCOVISCIDOSIS. Identifiers: Orphanet 586, MedGen C0010674, MONDO:0009061, OMIM 219700. Disease mechanism: loss of function.

Submission:

Ambry Genetics
Classification: Uncertain significance for Cystic fibrosis. Last evaluated: 2026-07-04. Review status: criteria provided, single submitter. Criteria: Ambry Variant Classification Scheme 2023. Collection method: clinical testing. Allele origin: germline.
Comment: The p.I1002V variant (also known as c.3004A>G), located in coding exon 19 of the CFTR gene, results from an A to G substitution at nucleotide position 3004. The isoleucine at codon 1002 is replaced by valine, an amino acid with highly similar properties. This amino acid position is conserved. In addition, this alteration is predicted to be tolerated by in silico analysis. Based on the available evidence, the clinical significance of this variant remains unclear.

NM_000492.4(CFTR):c.3004A>G (p.Ile1002Val)

Genes: CFTR (CF transmembrane conductance regulator; plus strand), CFTR-AS2 (CFTR antisense RNA 2; minus strand), LOC111674472 (DNase I hypersensitive sites in introns 16 and 17a of CFTR; plus strand). Cytogenetic location: 7q31.2.
Variant type: single nucleotide variant.
Coding change: c.3004A>G on transcript NM_000492.4 (MANE Select); coding-DNA position 3004, A replaced by G.
Protein change: p.Ile1002Val; replaces isoleucine 1002 with valine.
Molecular consequence: missense variant.
Genome position (GRCh38, 1-based): chr7:117,610,534, A>G. VCF-style: chr7-117610534-A-G. GRCh37 (hg19) VCF-style: chr7-117250588-A-G.
Other names: short protein forms I1002V.
Identifiers: ClinVar variation 5034433 (VCV005034433.1).